The following is an entry in ClinVar:

ClinVar aggregate classification (germline): Uncertain significance. Review status: criteria provided, multiple submitters, no conflicts (2 of 4 stars). 2 submissions from 2 submitters: Uncertain significance (2). Last evaluated 2024-06-07.

Conditions:
Carney complex, type 1 (CNC1). Also called: CARNEY MYXOMA-ENDOCRINE COMPLEX; CARNEY COMPLEX, TYPE I. Identifiers: Orphanet 1359, MedGen C2607929, MONDO:0008057, OMIM 160980.
Hereditary cancer-predisposing syndrome. Also called: Neoplastic Syndromes, Hereditary; Tumor predisposition; Hereditary neoplastic syndrome; Hereditary Cancer Syndrome. Identifiers: Orphanet 140162, MedGen C0027672, MeSH D009386, MONDO:0015356.

Allele frequency attached by ClinVar (database versions not stated): gnomAD exomes below 0.00001.
gnomAD v4.1: 1 of 1,613,682 alleles (0.000062%); no homozygotes.

Submissions (2):

Ambry Genetics
Classification: Uncertain significance for Hereditary cancer-predisposing syndrome. Last evaluated: 2024-06-07. Review status: criteria provided, single submitter. Criteria: Ambry Variant Classification Scheme 2023. Collection method: clinical testing. Allele origin: germline.
Comment: The p.R228Q variant (also known as c.683G>A), located in coding exon 6 of the PRKAR1A gene, results from a G to A substitution at nucleotide position 683. The arginine at codon 228 is replaced by glutamine, an amino acid with highly similar properties. This amino acid position is highly conserved in available vertebrate species. In addition, this alteration is predicted to be deleterious by in silico analysis. Since supporting evidence is limited at this time, the clinical significance of this alteration remains unclear.

Labcorp Genetics (formerly Invitae), Labcorp
Classification: Uncertain significance for Carney complex, type 1. Last evaluated: 2024-04-24. Review status: criteria provided, single submitter. Criteria: Invitae Variant Classification Sherloc (09022015). Collection method: clinical testing. Allele origin: germline.
Comment: This sequence change replaces arginine, which is basic and polar, with glutamine, which is neutral and polar, at codon 228 of the PRKAR1A protein (p.Arg228Gln). This variant is present in population databases (rs768934933, gnomAD 0.01%). This variant has not been reported in the literature in individuals affected with PRKAR1A-related conditions. ClinVar contains an entry for this variant (Variation ID: 826659). Advanced modeling of protein sequence and biophysical properties (such as structural, functional, and spatial information, amino acid conservation, physicochemical variation, residue mobility, and thermodynamic stability) performed at Invitae indicates that this missense variant is not expected to disrupt PRKAR1A protein function with a negative predictive value of 80%. In summary, the available evidence is currently insufficient to determine the role of this variant in disease. Therefore, it has been classified as a Variant of Uncertain Significance.

NM_002734.5(PRKAR1A):c.683G>A (p.Arg228Gln)

Gene: PRKAR1A (protein kinase cAMP-dependent type I regulatory subunit alpha; plus strand). Cytogenetic location: 17q24.2.
Variant type: single nucleotide variant.
Coding change: c.683G>A on transcript NM_002734.5 (MANE Select); coding-DNA position 683, G replaced by A.
Protein change: p.Arg228Gln; replaces arginine 228 with glutamine.
Molecular consequence: missense variant.
Genome position (GRCh38, 1-based): chr17:68,525,887, G>A. VCF-style: chr17-68525887-G-A. GRCh37 (hg19) VCF-style: chr17-66522028-G-A.
Other names: c.683G>A, p.Arg228Gln (NM_001276289.2, NM_001276290.1, NM_001278433.2 and 4 more transcripts); short protein forms R228Q.
Identifiers: ClinVar variation 826659 (VCV000826659.15), dbSNP rs768934933, ClinGen allele CA8729333.